The following is an entry in ClinVar:

NM_018063.5(HELLS):c.1708TGT[1] (p.Cys571del)

Gene: HELLS (helicase, lymphoid specific; plus strand). Cytogenetic location: 10q23.33.
Variant type: Microsatellite.
Coding change: c.1708TGT[1] on transcript NM_018063.5 (MANE Select); one copy of the 3-base unit TGT starting at c.1708; the reference has two copies in a row; one copy, 3 bases deleted.
Protein change: p.Cys571del; deletes cysteine 571.
Molecular consequence: inframe deletion.
Genome position (GRCh38, 1-based): chr10:94,590,720-94,590,722, TGT deleted; deleting any 3 consecutive bases within chr10:94,590,717-94,590,722 gives the same sequence; the position shown is the placement nearest the transcript's 3' end. VCF-style (leftmost placement, unchanged base first): chr10-94590716-ATGT-A. GRCh37 (hg19) VCF-style: chr10-96350473-ATGT-A.
Other names: c.1612TGT[1], p.Cys539del (NM_001289069.2); c.1414TGT[1], p.Cys473del (NM_001289070.2); c.1336TGT[1], p.Cys447del (NM_001289071.2); c.1318TGT[1], p.Cys441del (NM_001289072.2); c.1294TGT[1], p.Cys433del (NM_001289073.2); c.625TGT[1], p.Cys210del (NM_001289074.2); c.490TGT[1], p.Cys165del (NM_001289075.2); c.1846TGT[1], p.Cys617del (NM_001289067.2); and 1 more; short protein forms C165del, C441del, C555del, C433del, C447del, C210del, C617del, C473del.
Identifiers: ClinVar variation 2006779 (VCV002006779.4), dbSNP rs2493272042, ClinGen allele CA2580615584.

ClinVar aggregate classification (germline): Uncertain significance (1 of 4 stars; one submission).

Submission:

Labcorp Genetics (formerly Invitae), Labcorp
Classification: Uncertain significance. Last evaluated: 2022-09-29. Review status: criteria provided, single submitter. Criteria: Invitae Variant Classification Sherloc (09022015). Collection method: clinical testing. Allele origin: germline.
Comment: This variant, c.1711_1713del, results in the deletion of 1 amino acid(s) of the HELLS protein (p.Cys571del), but otherwise preserves the integrity of the reading frame. This variant is not present in population databases (gnomAD no frequency). This variant has not been reported in the literature in individuals affected with HELLS-related conditions. Experimental studies and prediction algorithms are not available or were not evaluated, and the functional significance of this variant is currently unknown. In summary, the available evidence is currently insufficient to determine the role of this variant in disease. Therefore, it has been classified as a Variant of Uncertain Significance.